The following is an entry in ClinVar:

NM_001040108.2(MLH3):c.4275G>T (p.Met1425Ile)

Gene: MLH3 (mutL homolog 3; minus strand). Cytogenetic location: 14q24.3.
Variant type: single nucleotide variant.
Coding change: c.4275G>T on transcript NM_001040108.2 (MANE Select); coding-DNA position 4275, G replaced by T.
Protein change: p.Met1425Ile; replaces methionine 1425 with isoleucine.
Molecular consequence: missense variant.
Genome position (GRCh38, 1-based): chr14:75,017,169, C>A on the plus strand (G>T on the coding strand, the complement: MLH3 is on the minus strand). VCF-style: chr14-75017169-C-A. GRCh37 (hg19) VCF-style: chr14-75483872-C-A.
Other names: c.4203G>T, p.Met1401Ile (NM_014381.3); short protein forms M1401I, M1425I.
Identifiers: ClinVar variation 1739288 (VCV001739288.8), dbSNP rs1195142665, ClinGen allele CA390418069.
Genomic context (GRCh38, chr14:75,017,169, plus strand): 5'-TTGCTGCAGGCTCTGCCTTGTATCACACTCTGCTTTTCCAAAGAGACGCCAGGCCTGGGC[C>A]ATTTTGCGAAGTTTAGTGAGGTTGGGTTTAATCTATGGGAAGAAAGAATAACTTCAATTA-3'
Protein context (NP_001035197.1, residues 1415-1435): IKPNLTKLRK[Met1425Ile]AQAWRLFGKA

ClinVar aggregate classification (germline): Uncertain significance. Review status: criteria provided, multiple submitters, no conflicts (2 of 4 stars). 4 submissions from 4 submitters: Uncertain significance (4). Last evaluated 2024-12-18.

Conditions:
MLH3-related disorder. Also called: MLH3-related condition.
Colorectal cancer, hereditary nonpolyposis, type 7. Identifiers: Orphanet 144, MedGen C1858380, MONDO:0013725, OMIM 614385.
Colorectal cancer. Also called: Colorectal cancer, somatic; Malignant Colorectal Neoplasm. Identifiers: MedGen C0346629, MONDO:0005575, OMIM 114500.
Endometrial carcinoma. Also called: Endometrial carcinoma, somatic. Identifiers: MedGen C0476089, MONDO:0002447, OMIM 608089, HP:0012114.

Allele frequency attached by ClinVar (database versions not stated): gnomAD 0.00001; TOPMed 0.00001.

Submissions (4):

PreventionGenetics, part of Exact Sciences
Classification: Uncertain significance for MLH3-related condition. Last evaluated: 2024-12-18. Review status: criteria provided, single submitter. Criteria: ACMG Guidelines, 2015. Collection method: clinical testing. Allele origin: germline.
Comment: The MLH3 c.4275G>T variant is predicted to result in the amino acid substitution p.Met1425Ile. To our knowledge, this variant has not been reported in the literature or in a large population database (gnomAD), indicating this variant is rare. This variant is interpreted as uncertain in ClinVar. At this time, the clinical significance of this variant is uncertain due to the absence of conclusive functional and genetic evidence.

Ambry Genetics
Classification: Uncertain significance. Last evaluated: 2024-06-06. Review status: criteria provided, single submitter. Criteria: Ambry Variant Classification Scheme 2023. Collection method: clinical testing. Allele origin: germline.
Comment: The p.M1425I variant (also known as c.4275G>T), located in coding exon 12 of the MLH3 gene, results from a G to T substitution at nucleotide position 4275. The methionine at codon 1425 is replaced by isoleucine, an amino acid with highly similar properties. This amino acid position is conserved. In addition, the in silico prediction for this alteration is inconclusive. Since supporting evidence is limited at this time, the clinical significance of this alteration remains unclear.

Fulgent Genetics
Classification: Uncertain significance for Colorectal cancer; Endometrial carcinoma; Colorectal cancer, hereditary nonpolyposis, type 7. Last evaluated: 2024-05-21. Review status: criteria provided, single submitter. Criteria: ACMG Guidelines, 2015. Collection method: clinical testing. Allele origin: germline.

Labcorp Genetics (formerly Invitae), Labcorp
Classification: Uncertain significance for Colorectal cancer, hereditary nonpolyposis, type 7. Last evaluated: 2023-09-01. Review status: criteria provided, single submitter. Criteria: Invitae Variant Classification Sherloc (09022015). Collection method: clinical testing. Allele origin: germline.
Comment: An algorithm developed to predict the effect of missense changes on protein structure and function (PolyPhen-2) suggests that this variant is likely to be disruptive. ClinVar contains an entry for this variant (Variation ID: 1739288). In summary, the available evidence is currently insufficient to determine the role of this variant in disease. Therefore, it has been classified as a Variant of Uncertain Significance. This variant has not been reported in the literature in individuals affected with MLH3-related conditions. This variant is not present in population databases (gnomAD no frequency). This sequence change replaces methionine, which is neutral and non-polar, with isoleucine, which is neutral and non-polar, at codon 1425 of the MLH3 protein (p.Met1425Ile).